The following is an entry in ClinVar:

ClinVar aggregate classification (germline): Uncertain significance. Review status: criteria provided, multiple submitters, no conflicts (2 of 4 stars). 3 submissions from 3 submitters: Uncertain significance (2). 1 of the submissions does not count toward it. Last evaluated 2023-10-06.

Conditions:
SYNJ1-related disorder. Also called: SYNJ1-related condition.
Early-onset Parkinson disease 20. Also called: PARKINSON DISEASE 20, AUTOSOMAL RECESSIVE EARLY-ONSET. Identifiers: Orphanet 391411, MedGen C3809824, MONDO:0014233, OMIM 615530.
Developmental and epileptic encephalopathy, 53. Also called: Epileptic encephalopathy, early infantile, 53. Identifiers: MedGen C4479313, MONDO:0033362, OMIM 617389.

Allele frequency attached by ClinVar (database versions not stated): TOPMed 0.00002; gnomAD 0.00003; gnomAD exomes 0.00003; ExAC 0.00007.
gnomAD v4.1: 57 of 1,613,988 alleles (0.0035%); highest among the groups gnomAD compares: Middle Eastern, 0.049%; no homozygotes.

Submissions (3):

Blueprint Genetics
Classification: Uncertain significance. Last evaluated: 2023-10-06. Review status: criteria provided, single submitter. Criteria: ACMG Guidelines, 2015. Collection method: clinical testing. Allele origin: germline.

Labcorp Genetics (formerly Invitae), Labcorp
Classification: Uncertain significance for Developmental and epileptic encephalopathy, 53; Early-onset Parkinson disease 20. Last evaluated: 2022-08-15. Review status: criteria provided, single submitter. Criteria: Invitae Variant Classification Sherloc (09022015). Collection method: clinical testing. Allele origin: germline.
Comment: This sequence change replaces glycine, which is neutral and non-polar, with serine, which is neutral and polar, at codon 1588 of the SYNJ1 protein (p.Gly1588Ser). This variant is present in population databases (rs758953009, gnomAD 0.006%). This variant has not been reported in the literature in individuals affected with SYNJ1-related conditions. ClinVar contains an entry for this variant (Variation ID: 946789). Algorithms developed to predict the effect of missense changes on protein structure and function output the following: SIFT: "Tolerated"; PolyPhen-2: "Benign"; Align-GVGD: "Class C0". The serine amino acid residue is found in multiple mammalian species, which suggests that this missense change does not adversely affect protein function. Algorithms developed to predict the effect of sequence changes on RNA splicing suggest that this variant may create or strengthen a splice site. In summary, the available evidence is currently insufficient to determine the role of this variant in disease. Therefore, it has been classified as a Variant of Uncertain Significance.

PreventionGenetics, part of Exact Sciences
Classification: Uncertain significance for SYNJ1-related condition. Last evaluated: 2024-01-23. Review status: no assertion criteria provided. Collection method: clinical testing. Allele origin: germline. Not counted in ClinVar's aggregate classification.
Comment: The SYNJ1 c.4762G>A variant is predicted to result in the amino acid substitution p.Gly1588Ser. To our knowledge, this variant has not been reported in the literature. This variant is reported in 0.0062% of alleles in individuals of European (Non-Finnish) descent in gnomAD. At this time, the clinical significance of this variant is uncertain due to the absence of conclusive functional and genetic evidence.

NM_203446.3(SYNJ1):c.*733G>A

Gene: SYNJ1 (synaptojanin 1; minus strand). Cytogenetic location: 21q22.11.
Variant type: single nucleotide variant.
Coding change: c.*733G>A on transcript NM_203446.3 (MANE Select); 733 bases downstream of the stop codon, G replaced by A.
Molecular consequence: 3 prime UTR variant. On other transcripts: missense variant (2).
Genome position (GRCh38, 1-based): chr21:32,631,072, C>T on the plus strand (G>A on the coding strand, the complement: SYNJ1 is on the minus strand). VCF-style: chr21-32631072-C-T. GRCh37 (hg19) VCF-style: chr21-34003382-C-T.
Other names: c.4504G>A, p.Gly1502Ser (NM_001160306.2); c.4762G>A, p.Gly1588Ser (NM_003895.4); c.*733G>A (NM_001160302.2); short protein forms G1502S, G1588S.
Identifiers: ClinVar variation 946789 (VCV000946789.8), dbSNP rs758953009, ClinGen allele CA10003052.
Genomic context (GRCh38, chr21:32,631,072, plus strand): 5'-CCAGTGTGGGTGAAGCCTTAGAGGCCAAGGTCGTGAAAGGATCTACTGGAGGGCTGGTGC[C>T]GGGCGGGAGCAGAGGGACAGGAGGTGGAGGAGGTCTTCTTGACGGCAACACACAGAAGGA-3'